The following is an entry in ClinVar:

ClinVar aggregate classification (germline): Conflicting classifications of pathogenicity. Review status: criteria provided, conflicting classifications (1 of 4 stars). 5 submissions from 5 submitters: Uncertain significance (1); Likely benign (3). 1 of the submissions does not count toward it. Last evaluated 2026-01-25.

Conditions:
Primary ciliary dyskinesia. Also called: Ciliary dyskinesia. Identifiers: Orphanet 244, MedGen C0008780, MONDO:0016575, HP:0012265.
Primary ciliary dyskinesia 3. Identifiers: Orphanet 244, MedGen C1837618, MONDO:0012085, OMIM 608644.

Allele frequency attached by ClinVar (database versions not stated): ExAC 0.00004; gnomAD 0.00009; gnomAD exomes 0.00010; TOPMed 0.00012; 1000 Genomes Project 30x 0.00016; 1000 Genomes Project 0.00020.
gnomAD v4.1: 65 of 1,614,108 alleles (0.004%); highest among the groups gnomAD compares: Admixed American, 0.063%; no homozygotes.

Submissions (5):

Labcorp Genetics (formerly Invitae), Labcorp
Classification: Likely benign for Primary ciliary dyskinesia. Last evaluated: 2026-01-25. Review status: criteria provided, single submitter. Criteria: Invitae Variant Classification Sherloc (09022015). Collection method: clinical testing. Allele origin: germline.

CeGaT Center for Human Genetics Tuebingen
Classification: Likely benign. Last evaluated: 2026-01-01. Review status: criteria provided, single submitter. Criteria: CeGaT Center For Human Genetics Tuebingen Variant Classification Criteria Version 2. Collection method: clinical testing. Allele origin: germline. Affected: yes. Observed: 1 variant allele.
Comment: DNAH5: BP4, BP7

Blueprint Genetics
Classification: Likely benign. Last evaluated: 2024-11-14. Review status: criteria provided, single submitter. Criteria: ACMG Guidelines, 2015. Collection method: clinical testing. Allele origin: germline.

Illumina Laboratory Services, Illumina
Classification: Uncertain significance for Primary ciliary dyskinesia 3. Last evaluated: 2018-01-12. Review status: criteria provided, single submitter. Criteria: ICSL Variant Classification Criteria 13 December 2019. Collection method: clinical testing. Allele origin: germline.

Natera, Inc.
Classification: Likely benign for Primary ciliary dyskinesia. Last evaluated: 2020-05-01. Review status: no assertion criteria provided. Collection method: clinical testing. Allele origin: germline. Not counted in ClinVar's aggregate classification.

NM_001369.3(DNAH5):c.12123A>C (p.Pro4041=)

Gene: DNAH5 (dynein axonemal heavy chain 5; minus strand). Cytogenetic location: 5p15.2.
Variant type: single nucleotide variant.
Coding change: c.12123A>C on transcript NM_001369.3 (MANE Select); coding-DNA position 12123, A replaced by C.
Protein change: p.Pro4041=; no amino-acid change (proline 4041 retained).
Molecular consequence: synonymous variant.
Genome position (GRCh38, 1-based): chr5:13,721,156, T>G on the plus strand (A>C on the coding strand, the complement: DNAH5 is on the minus strand). VCF-style: chr5-13721156-T-G. GRCh37 (hg19) VCF-style: chr5-13721265-T-G.
Identifiers: ClinVar variation 772431 (VCV000772431.21), dbSNP rs149580135, ClinGen allele CA3201731.